The following is an entry in ClinVar:

NM_007294.4(BRCA1):c.4216A>T (p.Lys1406Ter)

Gene: BRCA1 (BRCA1 DNA repair associated; minus strand). Cytogenetic location: 17q21.31.
Variant type: single nucleotide variant.
Coding change: c.4216A>T on transcript NM_007294.4 (MANE Select); coding-DNA position 4216, A replaced by T.
Protein change: p.Lys1406Ter; replaces lysine 1406 with a stop codon.
Molecular consequence: nonsense. On other transcripts: non-coding transcript variant (1).
Genome position (GRCh38, 1-based): chr17:43,082,545, T>A on the plus strand (A>T on the coding strand, the complement: BRCA1 is on the minus strand). VCF-style: chr17-43082545-T-A. GRCh37 (hg19) VCF-style: chr17-41234562-T-A.
Other names: 4335A>T Lys1406ter; c.697A>T, p.Lys233Ter (NM_001408482.1, NM_001408483.1, NM_001408484.1 and 6 more transcripts); c.694A>T, p.Lys232Ter (NM_001408489.1, NM_001408490.1, NM_001408491.1 and 3 more transcripts); c.667A>T, p.Lys223Ter (NM_001408494.1); c.664A>T, p.Lys222Ter (NM_001408495.1); c.643A>T, p.Lys215Ter (NM_001408496.1, NM_001408497.1, NM_001408498.1 and 3 more transcripts); c.574A>T, p.Lys192Ter (NM_001408502.1); c.640A>T, p.Lys214Ter (NM_001408503.1, NM_001408504.1, NM_001408505.1); and 52 more; short protein forms K1406*, K1359*, K303*, K1110*, K1317*, K1339*, K175*, K190*.
Identifiers: ClinVar variation 266459 (VCV000266459.6), dbSNP rs886040216, ClinGen allele CA10589679.

ClinVar aggregate classification (germline): Pathogenic. Review status: reviewed by expert panel (3 of 4 stars). 2 submissions from 2 submitters: Pathogenic (1). 1 of the submissions does not count toward it. Last evaluated 2016-10-18.

Conditions:
Breast-ovarian cancer, familial, susceptibility to, 1 (BROVCA1). Also called: BRCA1 Hereditary Breast and Ovarian Cancer; OVARIAN CANCER, SUSCEPTIBILITY TO. Identifiers: Orphanet 145, MedGen C2676676, MONDO:0011450, OMIM 604370. Disease mechanism: loss of function.

Submissions (2):

Evidence-based Network for the Interpretation of Germline Mutant Alleles (ENIGMA)
Classification: Pathogenic for Breast-ovarian cancer, familial, susceptibility to, 1. Last evaluated: 2016-10-18. Review status: reviewed by expert panel. Criteria: ENIGMA BRCA1/2 Classification Criteria (2015). Collection method: curation. Allele origin: germline.
Comment: Variant allele predicted to encode a truncated non-functional protein.

Consortium of Investigators of Modifiers of BRCA1/2 (CIMBA), c/o University of Cambridge
Classification: Pathogenic for Breast-ovarian cancer, familial, susceptibility to, 1. Last evaluated: 2015-10-02. Review status: criteria provided, single submitter. Criteria: CIMBA Mutation Classification guidelines May 2016. Collection method: clinical testing. Allele origin: germline. Not counted in ClinVar's aggregate classification.